The following is an entry in ClinVar:

ClinVar aggregate classification (germline): Uncertain significance. Review status: criteria provided, multiple submitters, no conflicts (2 of 4 stars). 2 submissions from 2 submitters: Uncertain significance (2). Last evaluated 2022-08-22.

Conditions:
Bardet-Biedl syndrome (BBS). Identifiers: Orphanet 110, MedGen C0752166, MONDO:0015229.
Bardet-Biedl syndrome 8 (BBS8). Identifiers: Orphanet 110, MedGen C1859566, MONDO:0014436, OMIM 615985.

Allele frequency attached by ClinVar (database versions not stated): TOPMed 0.00001.

Submissions (2):

Labcorp Genetics (formerly Invitae), Labcorp
Classification: Uncertain significance for Bardet-Biedl syndrome. Last evaluated: 2022-08-22. Review status: criteria provided, single submitter. Criteria: Invitae Variant Classification Sherloc (09022015). Collection method: clinical testing. Allele origin: germline.
Comment: This variant has not been reported in the literature in individuals affected with TTC8-related conditions. In summary, the available evidence is currently insufficient to determine the role of this variant in disease. Therefore, it has been classified as a Variant of Uncertain Significance. Algorithms developed to predict the effect of missense changes on protein structure and function are either unavailable or do not agree on the potential impact of this missense change (SIFT: "Deleterious"; PolyPhen-2: "Probably Damaging"; Align-GVGD: "Class C0"). ClinVar contains an entry for this variant (Variation ID: 1465677). This variant is not present in population databases (gnomAD no frequency). This sequence change replaces proline, which is neutral and non-polar, with histidine, which is basic and polar, at codon 35 of the TTC8 protein (p.Pro35His).

New York Genome Center
Classification: Uncertain significance for Bardet-Biedl syndrome 8. Last evaluated: 2022-04-15. Review status: criteria provided, single submitter. Criteria: NYGC Assertion Criteria 2020. Collection method: clinical testing. Allele origin: germline. Observed: 1 heterozygote.

NM_144596.4(TTC8):c.104C>A (p.Pro35His)

Gene: TTC8 (tetratricopeptide repeat domain 8; plus strand). Cytogenetic location: 14q31.3.
Variant type: single nucleotide variant.
Coding change: c.104C>A on transcript NM_144596.4 (MANE Select); coding-DNA position 104, C replaced by A.
Protein change: p.Pro35His; replaces proline 35 with histidine.
Molecular consequence: missense variant. On other transcripts: 5 prime UTR variant (2), non-coding transcript variant (1).
Genome position (GRCh38, 1-based): chr14:88,824,811, C>A. VCF-style: chr14-88824811-C-A. GRCh37 (hg19) VCF-style: chr14-89291155-C-A.
Other names: c.104C>A, p.Pro35His (NM_001288781.1, NM_001366535.2, NM_001366536.2 and 2 more transcripts); c.-459C>A (NM_001288782.1); c.-554C>A (NM_001288783.1); short protein forms P35H.
Identifiers: ClinVar variation 1465677 (VCV001465677.7), dbSNP rs2094691079, ClinGen allele CA390567987.